The following is an entry in ClinVar:

ClinVar aggregate classification (germline): Likely pathogenic (1 of 4 stars; one submission).

Submission:

Mayo Clinic Laboratories, Mayo Clinic
Classification: Likely pathogenic. Last evaluated: 2020-11-02. Review status: criteria provided, single submitter. Criteria: ACMG Guidelines, 2015. Collection method: clinical testing. Allele origin: germline. Observed: 1 variant allele.
Comment: PVS1, PM2

NM_000098.3(CPT2):c.1119_1120del (p.Trp374fs)

Gene: CPT2 (carnitine palmitoyltransferase 2; plus strand). Cytogenetic location: 1p32.3.
Variant type: Deletion.
Coding change: c.1119_1120del on transcript NM_000098.3 (MANE Select); coding-DNA positions 1119 to 1120, 2 bases deleted (TT; older notation c.1119_1120delTT).
Protein change: p.Trp374fs; shifts the reading frame from tryptophan 374.
Molecular consequence: frameshift variant.
Genome position (GRCh38, 1-based): chr1:53,210,793-53,210,794, TT deleted. VCF-style (leftmost placement, unchanged base first): chr1-53210792-CTT-C. GRCh37 (hg19) VCF-style: chr1-53676464-CTT-C.
Other names: c.1119_1120del, p.Trp374fs (NM_001330589.2); short protein forms W374fs.
Identifiers: ClinVar variation 1163630 (VCV001163630.5), dbSNP rs2100273567, ClinGen allele CA2499214810.